The following is an entry in ClinVar:

NM_001354483.2(CSGALNACT1):c.701A>T (p.His234Leu)

Gene: CSGALNACT1 (chondroitin sulfate N-acetylgalactosaminyltransferase 1; minus strand). Cytogenetic location: 8p21.3.
Variant type: single nucleotide variant.
Coding change: c.701A>T on transcript NM_001354483.2 (MANE Select); coding-DNA position 701, A replaced by T.
Protein change: p.His234Leu; replaces histidine 234 with leucine.
Molecular consequence: missense variant. On other transcripts: non-coding transcript variant (7).
Genome position (GRCh38, 1-based): chr8:19,458,576, T>A on the plus strand (A>T on the coding strand, the complement: CSGALNACT1 is on the minus strand). VCF-style: chr8-19458576-T-A. GRCh37 (hg19) VCF-style: chr8-19316087-T-A.
Other names: c.701A>T, p.His234Leu (NM_001130518.2, NM_001354475.2, NM_001354476.2 and 18 more transcripts); short protein forms H234L.
Identifiers: ClinVar variation 2085270 (VCV002085270.4), dbSNP rs200092345, ClinGen allele CA370457251.

ClinVar aggregate classification (germline): Uncertain significance (1 of 4 stars; one submission).

gnomAD v4.1: 4 of 1,614,222 alleles (0.00025%); highest among the groups gnomAD compares: Non-Finnish European, 0.00034%; no homozygotes.

Submission:

Labcorp Genetics (formerly Invitae), Labcorp
Classification: Uncertain significance. Last evaluated: 2024-08-12. Review status: criteria provided, single submitter. Criteria: Invitae Variant Classification Sherloc (09022015). Collection method: clinical testing. Allele origin: germline.
Comment: This sequence change replaces histidine, which is basic and polar, with leucine, which is neutral and non-polar, at codon 234 of the CSGALNACT1 protein (p.His234Leu). This variant is not present in population databases (gnomAD no frequency). This variant has not been reported in the literature in individuals affected with CSGALNACT1-related conditions. ClinVar contains an entry for this variant (Variation ID: 2085270). Advanced modeling of protein sequence and biophysical properties (such as structural, functional, and spatial information, amino acid conservation, physicochemical variation, residue mobility, and thermodynamic stability) performed at Invitae indicates that this missense variant is not expected to disrupt CSGALNACT1 protein function with a negative predictive value of 80%. In summary, the available evidence is currently insufficient to determine the role of this variant in disease. Therefore, it has been classified as a Variant of Uncertain Significance.